The following is an entry in ClinVar:

ClinVar aggregate classification (germline): Conflicting classifications of pathogenicity. Review status: criteria provided, conflicting classifications (1 of 4 stars). 4 submissions from 4 submitters: Uncertain significance (1); Likely benign (3). Last evaluated 2025-12-21.

Conditions:
Inborn genetic diseases. Identifiers: MedGen C0950123, MeSH D030342.
Short-rib thoracic dysplasia 8 with or without polydactyly (SRTD8). Also called: SHORT-RIB THORACIC DYSPLASIA 8 WITH POLYDACTYLY. Identifiers: Orphanet 93271, MedGen C3809691, MONDO:0014214, OMIM 615503.
DYNC2I1-related disorder. Also called: DYNC2I1-related condition.

Allele frequency attached by ClinVar (database versions not stated): ESP Exome Variant Server 0.00082; TOPMed 0.00190; 1000 Genomes Project 0.00200; 1000 Genomes Project 30x 0.00219.
gnomAD v4.1: 490 of 1,613,158 alleles (0.03%); highest among the groups gnomAD compares: African/African-American, 0.56%; 1 homozygote.

Submissions (4):

Labcorp Genetics (formerly Invitae), Labcorp
Classification: Likely benign for Short-rib thoracic dysplasia 8 with or without polydactyly. Last evaluated: 2025-12-21. Review status: criteria provided, single submitter. Criteria: Invitae Variant Classification Sherloc (09022015). Collection method: clinical testing. Allele origin: germline.

PreventionGenetics, part of Exact Sciences
Classification: Likely benign for DYNC2I1-related condition. Last evaluated: 2025-08-25. Review status: criteria provided, single submitter. Criteria: ACMG Guidelines, 2015. Collection method: clinical testing. Allele origin: germline.
Comment: This variant is classified as likely benign based on ACMG/AMP sequence variant interpretation guidelines (Richards et al. 2015 PMID: 25741868, with internal and published modifications).

CeGaT Center for Human Genetics Tuebingen
Classification: Likely benign. Last evaluated: 2025-03-01. Review status: criteria provided, single submitter. Criteria: CeGaT Center For Human Genetics Tuebingen Variant Classification Criteria Version 2. Collection method: clinical testing. Allele origin: germline. Affected: yes. Observed: 1 variant allele.
Comment: DYNC2I1: BP4

Ambry Genetics
Classification: Uncertain significance for Inborn genetic diseases. Last evaluated: 2025-01-23. Review status: criteria provided, single submitter. Criteria: Ambry Variant Classification Scheme 2023. Collection method: clinical testing. Allele origin: germline.

NM_018051.5(DYNC2I1):c.902G>T (p.Gly301Val)

Gene: DYNC2I1 (dynein 2 intermediate chain 1; plus strand). Cytogenetic location: 7q36.3.
Variant type: single nucleotide variant.
Coding change: c.902G>T on transcript NM_018051.5 (MANE Select); coding-DNA position 902, G replaced by T.
Protein change: p.Gly301Val; replaces glycine 301 with valine.
Molecular consequence: missense variant. On other transcripts: 5 prime UTR variant (3), intron variant (1).
Genome position (GRCh38, 1-based): chr7:158,884,586, G>T. VCF-style: chr7-158884586-G-T. GRCh37 (hg19) VCF-style: chr7-158677277-G-T.
Other names: c.764G>T, p.Gly255Val (NM_001350914.2); c.-457G>T (NM_001350916.2); c.-465G>T (NM_001350917.2); c.-584G>T (NM_001350918.2); c.363-2435G>T (NM_001350915.2); short protein forms G301V, G255V.
Identifiers: ClinVar variation 766854 (VCV000766854.18), dbSNP rs140596100, ClinGen allele CA4594433.
Genomic context (GRCh38, chr7:158,884,586, plus strand): 5'-CTAATAAATGGTTATGGGATTATATTTTTGTTTGATAGAATGGTGAACACAGAAATCGAG[G>T]TGCAAGCTCAAAAAGAGATGGGACCAGCAGCCAGTAAGGATTGCATGCCCTGTGGTCGAC-3'
Protein context (NP_060521.4, residues 291-311): ESQNGEHRNR[Gly301Val]ASSKRDGTSS